The following is an entry in ClinVar:

NM_001365276.2(TNXB):c.6774C>A (p.Tyr2258Ter)

Gene: TNXB (tenascin XB; minus strand). Cytogenetic location: 6p21.33.
Variant type: single nucleotide variant.
Coding change: c.6774C>A on transcript NM_001365276.2 (MANE Select); coding-DNA position 6774, C replaced by A.
Protein change: p.Tyr2258Ter; replaces tyrosine 2258 with a stop codon.
Molecular consequence: nonsense.
Genome position (GRCh38, 1-based): chr6:32,064,888, G>T on the plus strand (C>A on the coding strand, the complement: TNXB is on the minus strand). VCF-style: chr6-32064888-G-T. GRCh37 (hg19) VCF-style: chr6-32032665-G-T.
Other names: c.7515C>A, p.Tyr2505Ter (NM_001428335.1); c.6774C>A, p.Tyr2258Ter (NM_019105.8); short protein forms Y2505*, Y2258*.
Identifiers: ClinVar variation 4974344 (VCV004974344.2).

ClinVar aggregate classification (germline): Pathogenic/Likely pathogenic. Review status: criteria provided, multiple submitters, no conflicts (2 of 4 stars). 2 submissions from 2 submitters: Pathogenic (1); Likely pathogenic (1). Last evaluated 2025-05-13.

Conditions:
TNXB-related disorder. Also called: TNXB-related condition.
Ehlers-Danlos syndrome due to tenascin-X deficiency (EDSCLL1). Also called: EDS DUE TO TNX DEFICIENCY; TNX DEFICIENCY; EHLERS-DANLOS SYNDROME, CLASSIC-LIKE; Ehlers-Danlos syndrome, classic-like, 1; TNXB-Related Classical-Like Ehlers-Danlos Syndrome. Identifiers: Orphanet 230839, MedGen C1848029, MONDO:0011670, OMIM 606408.

Submissions (2):

Myriad Genetics, Inc.
Classification: Pathogenic for Ehlers-Danlos syndrome due to tenascin-X deficiency. Last evaluated: 2025-05-13. Review status: criteria provided, single submitter. Criteria: Myriad Autosomal Dominant, Autosomal Recessive and X-Linked Classification Criteria (2023). Collection method: clinical testing. Allele origin: unknown.
Comment: NM_019105.6(TNXB):c.6774C>A(Y2258*) is expected to be pathogenic in the context of classical-like Ehlers-Danlos syndrome, TNXB-related. This variant is predicted to lead to an abnormal or absent protein product due to the creation of a premature termination codon in TNXB, a gene where loss-of-function variants are known to be pathogenic. Please note: this variant was assessed in the context of healthy population screening.

Blueprint Genetics
Classification: Likely pathogenic for TNXB-related disorders. Last evaluated: 2018-02-28. Review status: criteria provided, single submitter. Criteria: ACMG Guidelines, 2015. Collection method: clinical testing. Allele origin: germline. Affected: yes. Observed: 1 variant allele.